The following is an entry in ClinVar:

ClinVar aggregate classification (germline): Uncertain significance. Review status: criteria provided, single submitter (1 of 4 stars). 2 submissions from 2 submitters: Uncertain significance (1). 1 of the submissions does not count toward it. Last evaluated 2021-08-27.

Conditions:
Kostmann syndrome (SCN3). Also called: Autosomal recessive severe congenital neutropenia type 3; KOSTMANN DISEASE. Identifiers: Orphanet 99749, MedGen C5235141, MONDO:0012548, OMIM 610738.

Submissions (2):

Labcorp Genetics (formerly Invitae), Labcorp
Classification: Uncertain significance for Kostmann syndrome. Last evaluated: 2021-08-27. Review status: criteria provided, single submitter. Criteria: Invitae Variant Classification Sherloc (09022015). Collection method: clinical testing. Allele origin: germline.
Comment: This variant, c.213_215del, results in the deletion of 1 amino acid(s) of the HAX1 protein (p.Gly72del), but otherwise preserves the integrity of the reading frame. This variant is not present in population databases (ExAC no frequency). This variant has not been reported in the literature in individuals affected with HAX1-related conditions. Experimental studies and prediction algorithms are not available or were not evaluated, and the functional significance of this variant is currently unknown. In summary, the available evidence is currently insufficient to determine the role of this variant in disease. Therefore, it has been classified as a Variant of Uncertain Significance.

Natera, Inc.
Classification: Uncertain significance for Autosomal recessive severe congenital neutropenia type 3. Last evaluated: 2021-06-01. Review status: no assertion criteria provided. Collection method: clinical testing. Allele origin: germline. Not counted in ClinVar's aggregate classification.

NM_006118.4(HAX1):c.207AGG[2] (p.Gly72del)

Gene: HAX1 (HCLS1 associated protein X-1; plus strand). Cytogenetic location: 1q21.3.
Variant type: Microsatellite.
Coding change: c.207AGG[2] on transcript NM_006118.4 (MANE Select); two copies in a row of the 3-base unit AGG starting at c.207; the reference has three copies in a row; one copy, 3 bases deleted; also written c.213_215del.
Protein change: p.Gly72del; deletes glycine 72.
Molecular consequence: inframe deletion.
Genome position (GRCh38, 1-based): chr1:154,273,495-154,273,497, AGG deleted; deleting any 3 consecutive bases within chr1:154,273,489-154,273,497 gives the same sequence; the position shown is the placement nearest the transcript's 3' end. VCF-style (leftmost placement, unchanged base first): chr1-154273488-CAGG-C. GRCh37 (hg19) VCF-style: chr1-154245964-CAGG-C.
Other names: c.63AGG[2], p.Gly24del (NM_001018837.2); c.213_215del (NM_006118.4); short protein forms G24del, G72del.
Identifiers: ClinVar variation 1014994 (VCV001014994.9), dbSNP rs1558251515, ClinGen allele CA526665546.